The following is an entry in ClinVar:

NM_001159699.2(FHL1):c.863A>T (p.Tyr288Phe)

Gene: FHL1 (four and a half LIM domains 1; plus strand). Cytogenetic location: Xq26.3.
Variant type: single nucleotide variant.
Coding change: c.863A>T on transcript NM_001159699.2 (MANE Select); coding-DNA position 863, A replaced by T.
Protein change: p.Tyr288Phe; replaces tyrosine 288 with phenylalanine.
Molecular consequence: missense variant. On other transcripts: 3 prime UTR variant (6), non-coding transcript variant (1).
Genome position (GRCh38, 1-based): chrX:136,209,997, A>T. VCF-style: chrX-136209997-A-T. GRCh37 (hg19) VCF-style: chrX-135292156-A-T.
Other names: c.815A>T, p.Tyr272Phe (NM_001159700.2, NM_001159704.1, NM_001167819.1 and 4 more transcripts); c.902A>T, p.Tyr301Phe (NM_001159701.2); c.*43A>T (NM_001159702.3, NM_001159703.2, NM_001330659.2 and 3 more transcripts); short protein forms Y272F, Y288F, Y301F.
Identifiers: ClinVar variation 1007647 (VCV001007647.11), dbSNP rs760214177, ClinGen allele CA10525137.
Genomic context (GRCh38, chrX:136,209,997, plus strand): 5'-GCAAAAAATGCTCCGTGAATCTGGCCAACAAGCGCTTTGTTTTCCACCAGGAGCAAGTGT[A>T]TTGTCCCGACTGTGCCAAAAAGCTGTAAACTGACAGGGGCTCCTGTCCTGTAAAATGGCA-3'
Protein context (NP_001153171.1, residues 278-296): KRFVFHQEQV[Tyr288Phe]CPDCAKKL

ClinVar aggregate classification (germline): Conflicting classifications of pathogenicity. Review status: criteria provided, conflicting classifications (1 of 4 stars). 3 submissions from 3 submitters: Uncertain significance (2); Likely benign (1). Last evaluated 2025-07-09.

Conditions:
Cardiovascular phenotype. Identifiers: MedGen CN230736.
X-linked myopathy with postural muscle atrophy. Also called: FHL1-Related Emery-Dreifuss Muscular Dystrophy, X-Linked. Identifiers: Orphanet 178461, MedGen C2678055, MONDO:0010401, OMIM 300696.

Allele frequency attached by ClinVar (database versions not stated): TOPMed below 0.00001; gnomAD 0.00001; gnomAD exomes 0.00001 and 0.00003; ExAC 0.00003.
gnomAD v4.1: 6 of 1,208,494 alleles (0.0005%); highest among the groups gnomAD compares: Admixed American, 0.011%; no homozygotes.

Submissions (3):

Labcorp Genetics (formerly Invitae), Labcorp
Classification: Uncertain significance for X-linked myopathy with postural muscle atrophy. Last evaluated: 2025-07-09. Review status: criteria provided, single submitter. Criteria: Invitae Variant Classification Sherloc (09022015). Collection method: clinical testing. Allele origin: germline.
Comment: This sequence change replaces tyrosine, which is neutral and polar, with phenylalanine, which is neutral and non-polar, at codon 272 of the FHL1 protein (p.Tyr272Phe). This variant is present in population databases (rs760214177, gnomAD 0.02%). This variant has not been reported in the literature in individuals affected with FHL1-related conditions. ClinVar contains an entry for this variant (Variation ID: 1007647). An algorithm developed to predict the effect of missense changes on protein structure and function (PolyPhen-2) suggests that this variant is likely to be tolerated. Experimental studies have shown that this missense change affects FHL1 function (PMID: 29434030). In summary, the available evidence is currently insufficient to determine the role of this variant in disease. Therefore, it has been classified as a Variant of Uncertain Significance.

Ambry Genetics
Classification: Uncertain significance for Cardiovascular phenotype. Last evaluated: 2024-08-20. Review status: criteria provided, single submitter. Criteria: Ambry Variant Classification Scheme 2023. Collection method: clinical testing. Allele origin: germline.
Comment: The p.Y272F variant (also known as c.815A>T), located in coding exon 5 of the FHL1 gene, results from an A to T substitution at nucleotide position 815. The tyrosine at codon 272 is replaced by phenylalanine, an amino acid with highly similar properties. Based on data from gnomAD, the T allele has an overall frequency of <0.01% (6/183530) total alleles studied, with 2 hemizygotes observed. The highest observed frequency was <0.01% (6/27431) of Latino alleles. This amino acid position is well conserved in available vertebrate species. In addition, the in silico prediction for this alteration is inconclusive. Based on the available evidence, the clinical significance of this variant remains unclear.

GeneDx
Classification: Likely benign. Last evaluated: 2021-06-03. Review status: criteria provided, single submitter. Criteria: GeneDx Variant Classification Process June 2021. Collection method: clinical testing. Allele origin: germline. Affected: yes.
Comment: Has not been previously published as pathogenic or benign to our knowledge; This variant is associated with the following publications: (PMID: 27535533)

Literature cited by the submitters: PubMed 29434030 (cited by Labcorp Genetics (formerly Invitae), Labcorp).